The following is an entry in ClinVar:

NM_000179.3(MSH6):c.2701C>T (p.Arg901Cys)

Gene: MSH6 (mutS homolog 6; plus strand). Cytogenetic location: 2p16.3.
Variant type: single nucleotide variant.
Coding change: c.2701C>T on transcript NM_000179.3 (MANE Select); coding-DNA position 2701, C replaced by T.
Protein change: p.Arg901Cys; replaces arginine 901 with cysteine.
Molecular consequence: missense variant.
Genome position (GRCh38, 1-based): chr2:47,800,684, C>T. VCF-style: chr2-47800684-C-T. GRCh37 (hg19) VCF-style: chr2-48027823-C-T.
Other names: c.2311C>T, p.Arg771Cys (NM_001281492.2); c.1795C>T, p.Arg599Cys (NM_001281493.2, NM_001281494.2); short protein forms R901C, R771C, R599C.
Identifiers: ClinVar variation 186538 (VCV000186538.29), dbSNP rs772514245, ClinGen allele CA010754.

ClinVar aggregate classification (germline): Conflicting classifications of pathogenicity. Review status: criteria provided, conflicting classifications (1 of 4 stars). 8 submissions from 8 submitters: Uncertain significance (7); Likely benign (1). Last evaluated 2025-09-01.

Conditions:
Lynch syndrome. Identifiers: Orphanet 144, MedGen C4552100, MONDO:0005835. Disease mechanism: loss of function.
Hereditary nonpolyposis colorectal neoplasms. Identifiers: MedGen C0009405, MeSH D003123.
Hereditary cancer-predisposing syndrome. Also called: Neoplastic Syndromes, Hereditary; Tumor predisposition; Hereditary Cancer Syndrome; Hereditary neoplastic syndrome. Identifiers: Orphanet 140162, MedGen C0027672, MeSH D009386, MONDO:0015356.
Lynch syndrome 5 (LYNCH5). Also called: Colorectal cancer, hereditary nonpolyposis, type 5; Hereditary non-polyposis colorectal cancer, type 5. Identifiers: Orphanet 144, MedGen C1833477, MONDO:0013710, OMIM 614350. Disease mechanism: loss of function.
Endometrial carcinoma. Also called: Endometrial carcinoma, somatic. Identifiers: MedGen C0476089, MONDO:0002447, OMIM 608089, HP:0012114.

gnomAD v4.1: 11 of 1,614,066 alleles (0.00068%); highest among the groups gnomAD compares: African/African-American, 0.0013%; no homozygotes.

Submissions (8):

Ambry Genetics
Classification: Uncertain significance for Hereditary cancer-predisposing syndrome. Last evaluated: 2025-09-01. Review status: criteria provided, single submitter. Criteria: Ambry Variant Classification Scheme 2023. Collection method: clinical testing. Allele origin: germline.
Comment: The p.R901C variant (also known as c.2701C>T), located in coding exon 4 of the MSH6 gene, results from a C to T substitution at nucleotide position 2701. The arginine at codon 901 is replaced by cysteine, an amino acid with highly dissimilar properties. This amino acid position is not well conserved in available vertebrate species. In addition, the in silico prediction for this alteration is inconclusive. Since supporting evidence is limited at this time, the clinical significance of this alteration remains unclear.

Labcorp Genetics (formerly Invitae), Labcorp
Classification: Likely benign for Hereditary nonpolyposis colorectal neoplasms. Last evaluated: 2025-06-18. Review status: criteria provided, single submitter. Criteria: Invitae Variant Classification Sherloc (09022015). Collection method: clinical testing. Allele origin: germline.

Women's Health and Genetics/Laboratory Corporation of America, LabCorp
Classification: Uncertain significance. Last evaluated: 2025-03-21. Review status: criteria provided, single submitter. Criteria: LabCorp Variant Classification Summary - May 2015. Collection method: clinical testing. Allele origin: germline.
Comment: Variant summary: MSH6 c.2701C>T (p.Arg901Cys) results in a non-conservative amino acid change in the encoded protein sequence. Three of five in-silico tools predict a benign effect of the variant on protein function. The variant allele was found at a frequency of 4e-06 in 250654 control chromosomes. The available data on variant occurrences in the general population are insufficient to allow any conclusion about variant significance. c.2701C>T has been reported in the literature in individuals affected with breast cancer or biliary tract cancer without evidence of causality (e.g. Hu_2022, Okawa_2023). These report(s) do not provide unequivocal conclusions about association of the variant with Lynch Syndrome. To our knowledge, no experimental evidence demonstrating an impact on protein function has been reported. The following publications have been ascertained in the context of this evaluation (PMID: 35449176, 36243179). ClinVar contains an entry for this variant (Variation ID: 186538). Based on the evidence outlined above, the variant was classified as uncertain significance.

All of Us Research Program, National Institutes of Health
Classification: Uncertain significance for Lynch syndrome. Last evaluated: 2024-06-11. Review status: criteria provided, single submitter. Criteria: ACMG Guidelines, 2015. Collection method: clinical testing. Allele origin: germline. Inheritance: Autosomal dominant inheritance. Observed: 2 variant alleles, 2 heterozygotes.
Comment: This missense variant replaces arginine with cysteine at codon 901 of the MSH6 protein. Computational prediction suggests that this variant may not impact protein structure and function (internally defined REVEL score threshold <= 0.5, PMID: 27666373). Splice site prediction tools suggest that this variant may not impact RNA splicing. To our knowledge, functional studies have not been performed for this variant. This variant has not been reported in individuals affected with hereditary cancer in the literature. This variant has been identified in 1/250654 chromosomes in the general population by the Genome Aggregation Database (gnomAD). The available evidence is insufficient to determine the role of this variant in disease conclusively. Therefore, this variant is classified as a Variant of Uncertain Significance.

This study involves interpretation of variants in research participants for the purpose of population health screening. Participant phenotype was not available at the time of variant classification. Additional details can be found in publication PMID: 35346344, PMCID: PMC8962531

Molecular Pathology, Peter Maccallum Cancer Centre
Classification: Uncertain significance for Lynch syndrome 5. Last evaluated: 2024-05-06. Review status: criteria provided, single submitter. Criteria: ACMG Guidelines, 2015. Collection method: clinical testing. Allele origin: germline. Inheritance: Autosomal dominant inheritance.

Baylor Genetics
Classification: Uncertain significance for Endometrial carcinoma. Last evaluated: 2023-10-13. Review status: criteria provided, single submitter. Criteria: ACMG Guidelines, 2015. Collection method: clinical testing. Allele origin: unknown.

GeneDx
Classification: Uncertain significance. Last evaluated: 2023-08-31. Review status: criteria provided, single submitter. Criteria: GeneDx Variant Classification Process June 2021. Collection method: clinical testing. Allele origin: germline. Affected: yes.
Comment: Not observed at significant frequency in large population cohorts (gnomAD); In silico analysis supports that this missense variant does not alter protein structure/function; Has not been previously published as pathogenic or benign to our knowledge; This variant is associated with the following publications: (PMID: 17531815, 21120944)

Color Diagnostics, LLC DBA Color Health
Classification: Uncertain significance for Hereditary cancer-predisposing syndrome. Last evaluated: 2023-02-02. Review status: criteria provided, single submitter. Criteria: ACMG Guidelines, 2015. Collection method: clinical testing. Allele origin: germline.
Comment: This missense variant replaces arginine with cysteine at codon 901 of the MSH6 protein. Computational prediction suggests that this variant may not impact protein structure and function (internally defined REVEL score threshold <= 0.5, PMID: 27666373). To our knowledge, functional studies have not been reported for this variant. This variant has not been reported in individuals affected with MSH6-related disorders in the literature. This variant has been identified in 1/250654 chromosomes in the general population by the Genome Aggregation Database (gnomAD). The available evidence is insufficient to determine the role of this variant in disease conclusively. Therefore, this variant is classified as a Variant of Uncertain Significance.

Literature cited by the submitters: PubMed 35449176 (cited by Women's Health and Genetics/Laboratory Corporation of America, LabCorp); PubMed 36243179 (cited by Women's Health and Genetics/Laboratory Corporation of America, LabCorp).